The following is an entry in ClinVar:

ClinVar aggregate classification (germline): Likely benign. Review status: criteria provided, single submitter (1 of 4 stars). 2 submissions from 2 submitters: Likely benign (1). 1 of the submissions does not count toward it. Last evaluated 2024-09-18.

Conditions:
UCP3-related disorder. Also called: UCP3-related condition.

gnomAD v4.1: 13 of 1,614,066 alleles (0.00081%); highest among the groups gnomAD compares: African/African-American, 0.004%; no homozygotes.

Submissions (2):

Labcorp Genetics (formerly Invitae), Labcorp
Classification: Likely benign. Last evaluated: 2024-09-18. Review status: criteria provided, single submitter. Criteria: Invitae Variant Classification Sherloc (09022015). Collection method: clinical testing. Allele origin: germline.

PreventionGenetics, part of Exact Sciences
Classification: Likely benign for UCP3-related condition. Last evaluated: 2024-03-21. Review status: no assertion criteria provided. Collection method: clinical testing. Allele origin: germline. Not counted in ClinVar's aggregate classification.
Comment: This variant is classified as likely benign based on ACMG/AMP sequence variant interpretation guidelines (Richards et al. 2015 PMID: 25741868, with internal and published modifications).

NM_003356.4(UCP3):c.87C>T (p.Leu29=)

Gene: UCP3 (uncoupling protein 3; minus strand). Cytogenetic location: 11q13.4.
Variant type: single nucleotide variant.
Coding change: c.87C>T on transcript NM_003356.4 (MANE Select); coding-DNA position 87, C replaced by T.
Protein change: p.Leu29=; no amino-acid change (leucine 29 retained).
Molecular consequence: synonymous variant.
Genome position (GRCh38, 1-based): chr11:74,006,956, G>A on the plus strand (C>T on the coding strand, the complement: UCP3 is on the minus strand). VCF-style: chr11-74006956-G-A. GRCh37 (hg19) VCF-style: chr11-73718001-G-A.
Other names: c.87C>T, p.Leu29= (NM_022803.3).
Identifiers: ClinVar variation 3350370 (VCV003350370.3).